The following is an entry in ClinVar:

ClinVar aggregate classification (germline): Conflicting classifications of pathogenicity. Review status: criteria provided, conflicting classifications (1 of 4 stars). 2 submissions from 2 submitters: Uncertain significance (1); Likely benign (1). Last evaluated 2024-04-19.

Conditions:
Spastic paraplegia. Identifiers: MedGen C0037772, HP:0001258.

Allele frequency attached by ClinVar (database versions not stated): gnomAD exomes below 0.00001; TOPMed below 0.00001.
gnomAD v4.1: 1 of 1,613,510 alleles (0.000062%); highest among the groups gnomAD compares: Non-Finnish European, 0.000085%; no homozygotes.

Submissions (2):

Labcorp Genetics (formerly Invitae), Labcorp
Classification: Uncertain significance for Spastic paraplegia. Last evaluated: 2024-04-19. Review status: criteria provided, single submitter. Criteria: Invitae Variant Classification Sherloc (09022015). Collection method: clinical testing. Allele origin: germline.
Comment: This sequence change affects codon 997 of the KIF5A mRNA. It is a 'silent' change, meaning that it does not change the encoded amino acid sequence of the KIF5A protein. It affects a nucleotide within the consensus splice site. This variant is not present in population databases (gnomAD no frequency). This variant has not been reported in the literature in individuals affected with KIF5A-related conditions. ClinVar contains an entry for this variant (Variation ID: 1675505). Algorithms developed to predict the effect of sequence changes on RNA splicing suggest that this variant is not likely to affect RNA splicing. In summary, the available evidence is currently insufficient to determine the role of this variant in disease. Therefore, it has been classified as a Variant of Uncertain Significance.

CeGaT Center for Human Genetics Tuebingen
Classification: Likely benign. Last evaluated: 2022-03-01. Review status: criteria provided, single submitter. Criteria: CeGaT Center For Human Genetics Tuebingen Variant Classification Criteria Version 2. Collection method: clinical testing. Allele origin: germline. Affected: yes. Observed: 1 variant allele.
Comment: KIF5A: PM2:Supporting, BP4, BP7

NM_004984.4(KIF5A):c.2991T>C (p.Asn997=)

Gene: KIF5A (kinesin family member 5A; plus strand). Cytogenetic location: 12q13.3.
Variant type: single nucleotide variant.
Coding change: c.2991T>C on transcript NM_004984.4 (MANE Select); coding-DNA position 2991, T replaced by C.
Protein change: p.Asn997=; no amino-acid change (asparagine 997 retained).
Molecular consequence: synonymous variant.
Genome position (GRCh38, 1-based): chr12:57,581,951, T>C. VCF-style: chr12-57581951-T-C. GRCh37 (hg19) VCF-style: chr12-57975734-T-C.
Other names: c.2724T>C, p.Asn908= (NM_001354705.2).
Identifiers: ClinVar variation 1675505 (VCV001675505.35), dbSNP rs1236506833, ClinGen allele CA480266266.